The following is an entry in ClinVar:

ClinVar aggregate classification (germline): Likely benign. Review status: criteria provided, multiple submitters, no conflicts (2 of 4 stars). 2 submissions from 2 submitters: Likely benign (2). Last evaluated 2026-09-17.

Conditions:
DSCAML1-related disorder. Also called: DSCAML1-related condition.

Allele frequency attached by ClinVar (database versions not stated): gnomAD exomes below 0.00001; gnomAD 0.00001; TOPMed 0.00003.
gnomAD v4.1: 7 of 1,614,026 alleles (0.00043%); highest among the groups gnomAD compares: Admixed American, 0.0017%; no homozygotes.

Submissions (2):

PreventionGenetics, part of Exact Sciences
Classification: Likely benign for DSCAML1-related condition. Last evaluated: 2026-09-17. Review status: criteria provided, single submitter. Criteria: ACMG Guidelines, 2015. Collection method: clinical testing. Allele origin: germline.
Comment: This variant is classified as likely benign based on ACMG/AMP sequence variant interpretation guidelines (Richards et al. 2015 PMID: 25741868, with internal and published modifications).

Labcorp Genetics (formerly Invitae), Labcorp
Classification: Likely benign. Last evaluated: 2025-12-26. Review status: criteria provided, single submitter. Criteria: Invitae Variant Classification Sherloc (09022015). Collection method: clinical testing. Allele origin: germline.

NM_020693.4(DSCAML1):c.573C>T (p.Asp191=)

Gene: DSCAML1 (DS cell adhesion molecule like 1; minus strand). Cytogenetic location: 11q23.3.
Variant type: single nucleotide variant.
Coding change: c.573C>T on transcript NM_020693.4 (MANE Select); coding-DNA position 573, C replaced by T.
Protein change: p.Asp191=; no amino-acid change (aspartic acid 191 retained).
Molecular consequence: synonymous variant.
Genome position (GRCh38, 1-based): chr11:117,532,461, G>A on the plus strand (C>T on the coding strand, the complement: DSCAML1 is on the minus strand). VCF-style: chr11-117532461-G-A. GRCh37 (hg19) VCF-style: chr11-117403176-G-A.
Other names: c.573C>T, p.Asp191= (NM_001367904.1); c.165C>T, p.Asp55= (NM_001367905.1); c.753C>T (NM_020693.3).
Identifiers: ClinVar variation 2196648 (VCV002196648.5), dbSNP rs1046952382, ClinGen allele CA229383559.